The following is an entry in ClinVar:

ClinVar aggregate classification (germline): Likely pathogenic (1 of 4 stars; one submission).

Conditions:
Intellectual developmental disorder, autosomal recessive 66. Also called: Intellectual disability, autosomal recessive 66; Mental retardation, autosomal recessive 66. Identifiers: MedGen C4748732, MONDO:0032605, OMIM 618221.

Submission:

Centre for Mendelian Genomics, University Medical Centre Ljubljana
Classification: Likely pathogenic for Intellectual developmental disorder, autosomal recessive 66. Last evaluated: 2019-10-22. Review status: criteria provided, single submitter. Criteria: ACMG Guidelines, 2015. Collection method: clinical testing. Allele origin: unknown. Affected: yes.
Comment: This variant was classified as: Likely pathogenic. The following ACMG criteria were applied in classifying this variant: PVS1,PM2.

NM_020374.4(FERRY3):c.1200_1201insGT (p.Lys401fs)

Gene: FERRY3 (FERRY endosomal RAB5 effector complex subunit 3; minus strand). Cytogenetic location: 12p13.32.
Variant type: Insertion.
Coding change: c.1200_1201insGT on transcript NM_020374.4 (MANE Select); coding-DNA positions 1200 to 1201, GT inserted.
Protein change: p.Lys401fs; shifts the reading frame from lysine 401.
Molecular consequence: frameshift variant. On other transcripts: non-coding transcript variant (3).
Genome position: GRCh38 VCF-style: chr12-4505342-T-TAC. GRCh37 (hg19) VCF-style: chr12-4614508-T-TAC.
Other names: c.1200_1201insGT, p.Lys401fs (NM_001304811.2); c.1071_1072insGT, p.Lys358fs (NM_001346153.2, NM_001346155.2); c.681_682insGT, p.Lys228fs (NM_001346156.2); c.552_553insGT, p.Lys185fs (NM_001346157.2); c.348_349insGT, p.Lys117fs (NM_001352962.2); short protein forms K117fs, K401fs, K185fs, K228fs, K358fs.
Identifiers: ClinVar variation 931775 (VCV000931775.3), dbSNP rs1943353362, ClinGen allele CA1139662469.